The following is an entry in ClinVar:

NM_001382391.1(CSPP1):c.2828+168G>T

Gene: CSPP1 (centrosome and spindle pole associated protein 1; plus strand). Cytogenetic location: 8q13.2.
Variant type: single nucleotide variant.
Coding change: c.2828+168G>T on transcript NM_001382391.1 (MANE Select); 168 bases into the intron after coding-DNA position 2828, G replaced by T.
Molecular consequence: intron variant.
Genome position (GRCh38, 1-based): chr8:67,164,676, G>T. VCF-style: chr8-67164676-G-T. GRCh37 (hg19) VCF-style: chr8-68076911-G-T.
Other names: c.2633+168G>T (NM_001363132.2); c.2747+168G>T (NM_001363131.2); c.2552+168G>T (NM_001363133.2); c.2894+168G>T (NM_001364869.1); c.2813+168G>T (NM_024790.7, NM_001438331.1); c.2660+168G>T (NM_001438330.1); c.2714+168G>T (NM_001364870.1); c.2129+168G>T (NM_001438332.1); and 1 more.
Identifiers: ClinVar variation 679661 (VCV000679661.1), dbSNP rs73256681, ClinGen allele CA178193571.
Genomic context (GRCh38, chr8:67,164,676, plus strand): 5'-TCTCCTTACTTTCCTTTTCTTTGTCTTTTACAAAATCAGCTGTAGAAATTTAGTTCTCAA[G>T]GGGATTCATGTAGGAATGGAAATTTCCGGGTTGGAATAATTACAGACAGTAGTTGCATTT-3'

ClinVar aggregate classification (germline): Likely benign (1 of 4 stars; one submission).

Allele frequency attached by ClinVar (database versions not stated): gnomAD 0.00545 and 0.00587; TOPMed 0.00580; 1000 Genomes Project 0.00599; 1000 Genomes Project 30x 0.00640.
gnomAD v4.1: 821 of 152,302 alleles (0.54%); highest among the groups gnomAD compares: African/African-American, 1.9%; 7 homozygotes.

Submission:

GeneDx
Classification: Likely benign. Last evaluated: 2018-06-16. Review status: criteria provided, single submitter. Criteria: GeneDx Variant Classification (06012015). Collection method: clinical testing. Allele origin: germline. Affected: yes.
Comment: This variant is considered likely benign or benign based on one or more of the following criteria: it is a conservative change, it occurs at a poorly conserved position in the protein, it is predicted to be benign by multiple in silico algorithms, and/or has population frequency not consistent with disease.